The following is an entry in ClinVar:

NM_015021.3(ZNF292):c.8102C>T (p.Ser2701Leu)

Gene: ZNF292 (zinc finger protein 292; plus strand). Cytogenetic location: 6q14.3.
Variant type: single nucleotide variant.
Coding change: c.8102C>T on transcript NM_015021.3 (MANE Select); coding-DNA position 8102, C replaced by T.
Protein change: p.Ser2701Leu; replaces serine 2701 with leucine.
Molecular consequence: missense variant.
Genome position (GRCh38, 1-based): chr6:87,261,731, C>T. VCF-style: chr6-87261731-C-T. GRCh37 (hg19) VCF-style: chr6-87971449-C-T.
Other names: c.7682C>T, p.Ser2561Leu (NM_001351444.2); short protein forms S2561L, S2701L.
Identifiers: ClinVar variation 4538358 (VCV004538358.1).

ClinVar aggregate classification (germline): Uncertain significance (1 of 4 stars; one submission).

Submission:

Greenwood Genetic Center Diagnostic Laboratories, Greenwood Genetic Center
Classification: Uncertain significance. Last evaluated: 2025-04-14. Review status: criteria provided, single submitter. Criteria: ACMG Guidelines, 2015. Collection method: clinical testing. Allele origin: germline. Affected: yes.
Comment: PM2, BP4